The following is an entry in ClinVar:

ClinVar aggregate classification (germline): Uncertain significance. Review status: criteria provided, multiple submitters, no conflicts (2 of 4 stars). 2 submissions from 2 submitters: Uncertain significance (2). Last evaluated 2025-08-07.

gnomAD v4.1: 16 of 1,568,050 alleles (0.001%); highest among the groups gnomAD compares: Non-Finnish European, 0.0014%; no homozygotes.

Submissions (2):

Labcorp Genetics (formerly Invitae), Labcorp
Classification: Uncertain significance. Last evaluated: 2025-08-07. Review status: criteria provided, single submitter. Criteria: Invitae Variant Classification Sherloc (09022015). Collection method: clinical testing. Allele origin: germline.
Comment: This sequence change replaces proline, which is neutral and non-polar, with glutamine, which is neutral and polar, at codon 25 of the THBD protein (p.Pro25Gln). The frequency data for this variant in the population databases is considered unreliable, as metrics indicate poor data quality at this position in the gnomAD database. This variant has not been reported in the literature in individuals affected with THBD-related conditions. Invitae Evidence Modeling of protein sequence and biophysical properties (such as structural, functional, and spatial information, amino acid conservation, physicochemical variation, residue mobility, and thermodynamic stability) indicates that this missense variant is not expected to disrupt THBD protein function with a negative predictive value of 80%. In summary, the available evidence is currently insufficient to determine the role of this variant in disease. Therefore, it has been classified as a Variant of Uncertain Significance.

Blueprint Genetics
Classification: Uncertain significance. Last evaluated: 2020-09-16. Review status: criteria provided, single submitter. Criteria: ACMG Guidelines, 2015. Collection method: clinical testing. Allele origin: germline.

NM_000361.3(THBD):c.74C>A (p.Pro25Gln)

Gene: THBD (thrombomodulin; minus strand). Cytogenetic location: 20p11.21.
Variant type: single nucleotide variant.
Coding change: c.74C>A on transcript NM_000361.3 (MANE Select); coding-DNA position 74, C replaced by A.
Protein change: p.Pro25Gln; replaces proline 25 with glutamine.
Molecular consequence: missense variant.
Genome position (GRCh38, 1-based): chr20:23,049,431, G>T on the plus strand (C>A on the coding strand, the complement: THBD is on the minus strand). VCF-style: chr20-23049431-G-T. GRCh37 (hg19) VCF-style: chr20-23030068-G-T.
Other names: short protein forms P25Q.
Identifiers: ClinVar variation 4750444 (VCV004750444.2).